The following is an entry in ClinVar:

ClinVar aggregate classification (germline): Uncertain significance (1 of 4 stars; one submission).

Conditions:
Hypertrophic cardiomyopathy. Also called: HYPERTROPHIC MYOCARDIOPATHY. Identifiers: Orphanet 217569, MedGen C0007194, MeSH D002312, MONDO:0005045, HP:0001639.

Submission:

Labcorp Genetics (formerly Invitae), Labcorp
Classification: Uncertain significance for Hypertrophic cardiomyopathy. Last evaluated: 2024-04-08. Review status: criteria provided, single submitter. Criteria: Invitae Variant Classification Sherloc (09022015). Collection method: clinical testing. Allele origin: germline.
Comment: This sequence change replaces histidine, which is basic and polar, with asparagine, which is neutral and polar, at codon 492 of the MYH7 protein (p.His492Asn). This variant is not present in population databases (gnomAD no frequency). This variant has not been reported in the literature in individuals affected with MYH7-related conditions. Advanced modeling of protein sequence and biophysical properties (such as structural, functional, and spatial information, amino acid conservation, physicochemical variation, residue mobility, and thermodynamic stability) performed at Invitae indicates that this missense variant is expected to disrupt MYH7 protein function with a positive predictive value of 95%. In summary, the available evidence is currently insufficient to determine the role of this variant in disease. Therefore, it has been classified as a Variant of Uncertain Significance.

NM_000257.4(MYH7):c.1474C>A (p.His492Asn)

Gene: MYH7 (myosin heavy chain 7; minus strand). Cytogenetic location: 14q11.2.
Variant type: single nucleotide variant.
Coding change: c.1474C>A on transcript NM_000257.4 (MANE Select); coding-DNA position 1474, C replaced by A.
Protein change: p.His492Asn; replaces histidine 492 with asparagine.
Molecular consequence: missense variant.
Genome position (GRCh38, 1-based): chr14:23,428,604, G>T on the plus strand (C>A on the coding strand, the complement: MYH7 is on the minus strand). VCF-style: chr14-23428604-G-T. GRCh37 (hg19) VCF-style: chr14-23897813-G-T.
Other names: c.1474C>A, p.His492Asn (NM_001407004.1); short protein forms H492N.
Identifiers: ClinVar variation 2725996 (VCV002725996.3), dbSNP rs2502300235, ClinGen allele CA389050516.